The following is an entry in ClinVar:

NM_000512.5(GALNS):c.909C>G (p.Asn303Lys)

Gene: GALNS (galactosamine (N-acetyl)-6-sulfatase; minus strand). Cytogenetic location: 16q24.3.
Variant type: single nucleotide variant.
Coding change: c.909C>G on transcript NM_000512.5 (MANE Select); coding-DNA position 909, C replaced by G.
Protein change: p.Asn303Lys; replaces asparagine 303 with lysine.
Molecular consequence: missense variant.
Genome position (GRCh38, 1-based): chr16:88,832,091, G>C on the plus strand (C>G on the coding strand, the complement: GALNS is on the minus strand). VCF-style: chr16-88832091-G-C. GRCh37 (hg19) VCF-style: chr16-88898499-G-C.
Other names: c.354C>G, p.Asn118Lys (NM_001323543.2); c.927C>G, p.Asn309Lys (NM_001323544.2); short protein forms N303K, N309K, N118K.
Identifiers: ClinVar variation 623363 (VCV000623363.8), dbSNP rs751446283, ClinGen allele CA397101480.
Genomic context (GRCh38, chr16:88,832,091, plus strand): 5'-GAGGGCAGGCTCCCTCATCCCTCCTTCAAACGTGGTCTGCTTCCCACACAGAAAGGGGCC[G>C]TTGCTGCCACCTGGGAGAGAGGGGCCCTTGTCAGGCCACTGGGACCAGATGTCCCCAGGC-3'
Protein context (NP_000503.1, residues 293-313): LISAPEQGGS[Asn303Lys]GPFLCGKQTT

ClinVar aggregate classification (germline): Uncertain significance. Review status: criteria provided, multiple submitters, no conflicts (2 of 4 stars). 3 submissions from 3 submitters: Uncertain significance (3). Last evaluated 2021-11-07.

Conditions:
Mucopolysaccharidosis, MPS-IV-A (MPS4A). Also called: MORQUIO SYNDROME A; MPS IVA; GALACTOSAMINE-6-SULFATASE DEFICIENCY; GALNS DEFICIENCY; MORQUIO A DISEASE; mucopolysaccharidosis type 4A. Identifiers: Orphanet 309297, Orphanet 582, MedGen C0086651, MONDO:0009659, OMIM 253000.

Submissions (3):

Genome-Nilou Lab
Classification: Uncertain significance for Mucopolysaccharidosis, MPS-IV-A. Last evaluated: 2021-11-07. Review status: criteria provided, single submitter. Criteria: ACMG Guidelines, 2015. Collection method: clinical testing. Allele origin: germline. Affected: no.

Laboratory of Diagnosis and Therapy of Lysosomal Disorders, University of Padova
Classification: Uncertain significance for Mucopolysaccharidosis, MPS-IV-A. Last evaluated: 2021-02-01. Review status: criteria provided, single submitter. Criteria: ACMG Guidelines, 2015. Collection method: research. Allele origin: germline. Affected: yes.
Comment: In vivo functional studies supportive of a damaging effect on the gene product (low to null enzymatic activity in homozygotes; PS3_supporting); absent from gnomAD v2.1.1 (PM2_moderate)

Department of Genetics, Sultan Qaboos University Hospital
Classification: Uncertain significance for Mucopolysaccharidosis, MPS-IV-A. Last evaluated: 2017-12-30. Review status: criteria provided, single submitter. Criteria: ACMG Guidelines, 2015. Collection method: curation. Allele origin: unknown. Affected: yes.

Literature cited by the submitters: PubMed 34387910 (cited by Laboratory of Diagnosis and Therapy of Lysosomal Disorders, University of Padova).